The following is an entry in ClinVar:

ClinVar aggregate classification (germline): Uncertain significance. Review status: criteria provided, multiple submitters, no conflicts (2 of 4 stars). 3 submissions from 3 submitters: Uncertain significance (3). Last evaluated 2025-07-30.

Conditions:
Hereditary cancer-predisposing syndrome. Also called: Hereditary neoplastic syndrome; Tumor predisposition; Neoplastic Syndromes, Hereditary; Hereditary Cancer Syndrome. Identifiers: Orphanet 140162, MedGen C0027672, MeSH D009386, MONDO:0015356.
Ataxia-telangiectasia syndrome (AT). Also called: Cerebello-oculocutaneous telangiectasia; ATAXIA-TELANGIECTASIA, COMPLEMENTATION GROUP A; ATAXIA-TELANGIECTASIA, FRESNO VARIANT; Ataxia-telangiectasia, complementation group D; AT, COMPLEMENTATION GROUP C; Immunodeficiency with ataxia telangiectasia. Identifiers: Orphanet 100, MedGen C0004135, MONDO:0008840, OMIM 208900.

Allele frequency attached by ClinVar (database versions not stated): gnomAD exomes below 0.00001; ExAC 0.00001; gnomAD 0.00001.
gnomAD v4.1: 7 of 1,613,998 alleles (0.00043%); highest among the groups gnomAD compares: Non-Finnish European, 0.00051%; no homozygotes.

Submissions (3):

Labcorp Genetics (formerly Invitae), Labcorp
Classification: Uncertain significance for Ataxia-telangiectasia syndrome. Last evaluated: 2025-07-30. Review status: criteria provided, single submitter. Criteria: Invitae Variant Classification Sherloc (09022015). Collection method: clinical testing. Allele origin: germline.
Comment: This sequence change replaces serine, which is neutral and polar, with proline, which is neutral and non-polar, at codon 917 of the ATM protein (p.Ser917Pro). This variant is present in population databases (rs750916886, gnomAD 0.002%). This variant has not been reported in the literature in individuals affected with ATM-related conditions. ClinVar contains an entry for this variant (Variation ID: 1719252). Invitae Evidence Modeling of protein sequence and biophysical properties (such as structural, functional, and spatial information, amino acid conservation, physicochemical variation, residue mobility, and thermodynamic stability) indicates that this missense variant is not expected to disrupt ATM protein function with a negative predictive value of 95%. In summary, the available evidence is currently insufficient to determine the role of this variant in disease. Therefore, it has been classified as a Variant of Uncertain Significance.

Ambry Genetics
Classification: Uncertain significance for Hereditary cancer-predisposing syndrome. Last evaluated: 2024-03-09. Review status: criteria provided, single submitter. Criteria: Ambry Variant Classification Scheme 2023. Collection method: clinical testing. Allele origin: germline.
Comment: The p.S917P variant (also known as c.2749T>C), located in coding exon 17 of the ATM gene, results from a T to C substitution at nucleotide position 2749. The serine at codon 917 is replaced by proline, an amino acid with similar properties. This amino acid position is well conserved in available vertebrate species. In addition, the in silico prediction for this alteration is inconclusive. Since supporting evidence is limited at this time, the clinical significance of this alteration remains unclear.

Color Diagnostics, LLC DBA Color Health
Classification: Uncertain significance for Hereditary cancer-predisposing syndrome. Last evaluated: 2024-03-06. Review status: criteria provided, single submitter. Criteria: ACMG Guidelines, 2015. Collection method: clinical testing. Allele origin: germline.
Comment: This missense variant replaces serine with proline at codon 917 of the ATM protein. Computational prediction suggests that this variant may not impact protein structure and function (internally defined REVEL score threshold <= 0.5, PMID: 27666373). To our knowledge, functional studies have not been reported for this variant. This variant has not been reported in individuals affected with hereditary cancer in the literature. This variant has been identified in 2/282842 chromosomes in the general population by the Genome Aggregation Database (gnomAD). The available evidence is insufficient to determine the role of this variant in disease conclusively. Therefore, this variant is classified as a Variant of Uncertain Significance.

NM_000051.4(ATM):c.2749T>C (p.Ser917Pro)

Gene: ATM (ATM serine/threonine kinase; plus strand). Cytogenetic location: 11q22.3.
Variant type: single nucleotide variant.
Coding change: c.2749T>C on transcript NM_000051.4 (MANE Select); coding-DNA position 2749, T replaced by C.
Protein change: p.Ser917Pro; replaces serine 917 with proline.
Molecular consequence: missense variant.
Genome position (GRCh38, 1-based): chr11:108,268,520, T>C. VCF-style: chr11-108268520-T-C. GRCh37 (hg19) VCF-style: chr11-108139247-T-C.
Other names: c.2749T>C, p.Ser917Pro (NM_001351834.2); short protein forms S917P.
Identifiers: ClinVar variation 1719252 (VCV001719252.10), dbSNP rs750916886, ClinGen allele CA6265106.